The following is an entry in ClinVar:

NM_015404.4(WHRN):c.2439G>A (p.Thr813=)

Gene: WHRN (whirlin; minus strand). Cytogenetic location: 9q32.
Variant type: single nucleotide variant.
Coding change: c.2439G>A on transcript NM_015404.4 (MANE Select); coding-DNA position 2439, G replaced by A.
Protein change: p.Thr813=; no amino-acid change (threonine 813 retained).
Molecular consequence: synonymous variant.
Genome position (GRCh38, 1-based): chr9:114,403,319, C>T on the plus strand (G>A on the coding strand, the complement: WHRN is on the minus strand). VCF-style: chr9-114403319-C-T. GRCh37 (hg19) VCF-style: chr9-117165599-C-T.
Other names: c.1290G>A, p.Thr430= (NM_001083885.3); c.2436G>A, p.Thr812= (NM_001173425.2); c.1386G>A, p.Thr462= (NM_001346890.1).
Identifiers: ClinVar variation 45675 (VCV000045675.20), dbSNP rs61743618, ClinGen allele CA136918.
Genomic context (GRCh38, chr9:114,403,319, plus strand): 5'-GCCACCCTCGATGGCGATGCCCAGGGTGGCCGCACTTTTCTTCACACGGACCAGAGTGGA[C>T]GTGGGCTCCAGAAGTCCAGGCTGTGGGTATTAGGAAGGACACCACTGAGGCCTTCGCAGT-3'
Protein context (NP_056219.3, residues 803-823): ANKPPGLLEP[Thr813=]STLVRVKKSA

ClinVar aggregate classification (germline): Conflicting classifications of pathogenicity. Review status: criteria provided, conflicting classifications (1 of 4 stars). 6 submissions from 5 submitters: Uncertain significance (1); Benign (4); Likely benign (1). Last evaluated 2026-02-01.

Conditions:
Usher syndrome type 2D. Also called: USHER SYNDROME, TYPE IID. Identifiers: Orphanet 231178, Orphanet 886, MedGen C1568249, MONDO:0012662, OMIM 611383.
Autosomal recessive nonsyndromic hearing loss 31. Also called: WHIRLER, MOUSE, HOMOLOG OF. Identifiers: Orphanet 90636, MedGen C1846839, MONDO:0011767, OMIM 607084.

Allele frequency attached by ClinVar (database versions not stated): gnomAD exomes 0.00048 and 0.00128; ExAC 0.00158; 1000 Genomes Project 0.00499; gnomAD 0.00505 and 0.00545; TOPMed 0.00553; ESP Exome Variant Server 0.00561; 1000 Genomes Project 30x 0.00593.

Submissions (6):

Labcorp Genetics (formerly Invitae), Labcorp
Classification: Benign. Last evaluated: 2026-02-01. Review status: criteria provided, single submitter. Criteria: Invitae Variant Classification Sherloc (09022015). Collection method: clinical testing. Allele origin: germline.

GeneDx
Classification: Benign. Last evaluated: 2019-04-25. Review status: criteria provided, single submitter. Criteria: GeneDx Variant Classification Process June 2021. Collection method: clinical testing. Allele origin: germline. Affected: yes.

Athena Diagnostics
Classification: Benign. Last evaluated: 2018-11-12. Review status: criteria provided, single submitter. Criteria: Athena Diagnostics Criteria. Collection method: clinical testing. Allele origin: germline.

Illumina Laboratory Services, Illumina
Classification: Uncertain significance for Autosomal recessive nonsyndromic hearing loss 31. Last evaluated: 2018-01-12. Review status: criteria provided, single submitter. Criteria: ICSL Variant Classification Criteria 13 December 2019. Collection method: clinical testing. Allele origin: germline.

Illumina Laboratory Services, Illumina
Classification: Likely benign for Usher syndrome type 2D. Last evaluated: 2018-01-12. Review status: criteria provided, single submitter. Criteria: ICSL Variant Classification Criteria 13 December 2019. Collection method: clinical testing. Allele origin: germline.
Comment: This variant was observed in the ICSL laboratory as part of a predisposition screen in an ostensibly healthy population. It had not been previously curated by ICSL or reported in the Human Gene Mutation Database (HGMD: prior to June 1st, 2018), and was therefore a candidate for classification through an automated scoring system. Utilizing variant allele frequency, disease prevalence and penetrance estimates, and inheritance mode, an automated score was calculated to assess if this variant is too frequent to cause the disease. Based on the score and internal cut-off values, a variant classified as likely benign is not then subjected to further curation. The score for this variant resulted in a classification of likely benign for this disease.

Laboratory for Molecular Medicine, Mass General Brigham Personalized Medicine
Classification: Benign. Last evaluated: 2011-12-16. Review status: criteria provided, single submitter. Criteria: LMM Criteria. Collection method: clinical testing. Allele origin: germline. Observed: 5 variant alleles.
Comment: Thr813Thr in exon 11 of DFNB31: This variant is not expected to have clinical si gnificance because it does not cause an amino acid change and has been reported in 36/4532 (0.8%) individuals from a broad, though clinically and racially undef ined population (dbSNP rs61743618).